The following is an entry in ClinVar:

NM_006231.4(POLE):c.2485A>C (p.Met829Leu)

Gene: POLE (DNA polymerase epsilon, catalytic subunit; minus strand). Cytogenetic location: 12q24.33.
Variant type: single nucleotide variant.
Coding change: c.2485A>C on transcript NM_006231.4 (MANE Select); coding-DNA position 2485, A replaced by C.
Protein change: p.Met829Leu; replaces methionine 829 with leucine.
Molecular consequence: missense variant.
Genome position (GRCh38, 1-based): chr12:132,664,446, T>G on the plus strand (A>C on the coding strand, the complement: POLE is on the minus strand). VCF-style: chr12-132664446-T-G. GRCh37 (hg19) VCF-style: chr12-133241032-T-G.
Other names: short protein forms M829L.
Identifiers: ClinVar variation 1020824 (VCV001020824.8), dbSNP rs762395135, ClinGen allele CA387396611.

ClinVar aggregate classification (germline): Uncertain significance (1 of 4 stars; one submission).

Submission:

Labcorp Genetics (formerly Invitae), Labcorp
Classification: Uncertain significance. Last evaluated: 2017-12-31. Review status: criteria provided, single submitter. Criteria: Invitae Variant Classification Sherloc (09022015). Collection method: clinical testing. Allele origin: germline.
Comment: In summary, the available evidence is currently insufficient to determine the role of this variant in disease. Therefore, it has been classified as a Variant of Uncertain Significance. Algorithms developed to predict the effect of missense changes on protein structure and function do not agree on the potential impact of this missense change (SIFT: "Deleterious"; PolyPhen-2: "Possibly Damaging"; Align-GVGD: "Class C0"). This variant has not been reported in the literature in individuals with POLE-related disease. This variant is not present in population databases (ExAC no frequency). This sequence change replaces methionine with leucine at codon 829 of the POLE protein (p.Met829Leu). The methionine residue is highly conserved and there is a small physicochemical difference between methionine and leucine.